The following is an entry in ClinVar:

NM_001330078.2(NRXN1):c.554G>A (p.Arg185His)

Gene: NRXN1 (neurexin 1; minus strand). Cytogenetic location: 2p16.3.
Variant type: single nucleotide variant.
Coding change: c.554G>A on transcript NM_001330078.2 (MANE Select); coding-DNA position 554, G replaced by A.
Protein change: p.Arg185His; replaces arginine 185 with histidine.
Molecular consequence: missense variant.
Genome position (GRCh38, 1-based): chr2:51,027,720, C>T on the plus strand (G>A on the coding strand, the complement: NRXN1 is on the minus strand). VCF-style: chr2-51027720-C-T. GRCh37 (hg19) VCF-style: chr2-51254858-C-T.
Other names: c.554G>A, p.Arg185His (NM_001135659.3, NM_001330077.2, NM_001330079.2 and 15 more transcripts); short protein forms R185H.
Identifiers: ClinVar variation 1897043 (VCV001897043.5), dbSNP rs773310560, ClinGen allele CA346823768.

ClinVar aggregate classification (germline): Uncertain significance (1 of 4 stars; one submission).

Conditions:
Pitt-Hopkins-like syndrome 2 (PTHSL2). Identifiers: Orphanet 221150, Orphanet 600663, MedGen C3280479, MONDO:0013690, OMIM 614325.

Allele frequency attached by ClinVar (database versions not stated): TOPMed below 0.00001; gnomAD 0.00001.
gnomAD v4.1: 6 of 1,609,702 alleles (0.00037%); highest among the groups gnomAD compares: South Asian, 0.0022%; no homozygotes.

Submission:

Labcorp Genetics (formerly Invitae), Labcorp
Classification: Uncertain significance for Pitt-Hopkins-like syndrome 2. Last evaluated: 2024-08-08. Review status: criteria provided, single submitter. Criteria: Invitae Variant Classification Sherloc (09022015). Collection method: clinical testing. Allele origin: germline.
Comment: This sequence change replaces arginine, which is basic and polar, with histidine, which is basic and polar, at codon 185 of the NRXN1 protein (p.Arg185His). The frequency data for this variant in the population databases is considered unreliable, as metrics indicate poor data quality at this position in the gnomAD database. This variant has not been reported in the literature in individuals affected with NRXN1-related conditions. ClinVar contains an entry for this variant (Variation ID: 1897043). An algorithm developed to predict the effect of missense changes on protein structure and function (PolyPhen-2) suggests that this variant is likely to be disruptive. In summary, the available evidence is currently insufficient to determine the role of this variant in disease. Therefore, it has been classified as a Variant of Uncertain Significance.